The following is an entry in ClinVar:

ClinVar aggregate classification (germline): Uncertain significance (1 of 4 stars; one submission).

Submission:

CeGaT Center for Human Genetics Tuebingen
Classification: Uncertain significance. Last evaluated: 2023-06-01. Review status: criteria provided, single submitter. Criteria: CeGaT Center For Human Genetics Tuebingen Variant Classification Criteria Version 2. Collection method: clinical testing. Allele origin: germline. Affected: yes. Observed: 1 variant allele.
Comment: SCN1A: PM2, PP2

NM_001165963.4(SCN1A):c.4343A>G (p.Glu1448Gly)

Genes: SCN1A (sodium voltage-gated channel alpha subunit 1; minus strand), LOC102724058 (uncharacterized LOC102724058; plus strand). Cytogenetic location: 2q24.3.
Variant type: single nucleotide variant.
Coding change: c.4343A>G on transcript NM_001165963.4 (MANE Select); coding-DNA position 4343, A replaced by G.
Protein change: p.Glu1448Gly; replaces glutamic acid 1448 with glycine.
Molecular consequence: missense variant. On other transcripts: non-coding transcript variant (1).
Genome position (GRCh38, 1-based): chr2:165,998,171, T>C on the plus strand (A>G on the coding strand, the complement: SCN1A is on the minus strand). VCF-style: chr2-165998171-T-C. GRCh37 (hg19) VCF-style: chr2-166854681-T-C.
Other names: c.4259A>G, p.Glu1420Gly (NM_001165964.3, NM_001353957.2, NM_001353958.2); c.4343A>G, p.Glu1448Gly (NM_001202435.3, NM_001353948.2); c.4310A>G, p.Glu1437Gly (NM_001353949.2, NM_001353950.2, NM_001353951.2 and 2 more transcripts); c.4307A>G, p.Glu1436Gly (NM_001353954.2, NM_001353955.2); c.4256A>G, p.Glu1419Gly (NM_001353960.2); c.1901A>G, p.Glu634Gly (NM_001353961.2); short protein forms E1419G, E1420G, E1436G, E1437G, E1448G, E634G.
Identifiers: ClinVar variation 2571098 (VCV002571098.27), dbSNP rs2468395582, ClinGen allele CA349049504.